The following is an entry in ClinVar:

NM_000368.5(TSC1):c.3103G>A (p.Gly1035Ser)

Gene: TSC1 (TSC complex subunit 1; minus strand). Cytogenetic location: 9q34.13.
Variant type: single nucleotide variant.
Coding change: c.3103G>A on transcript NM_000368.5 (MANE Select); coding-DNA position 3103, G replaced by A.
Protein change: p.Gly1035Ser; replaces glycine 1035 with serine.
Molecular consequence: missense variant.
Genome position (GRCh38, 1-based): chr9:132,896,627, C>T on the plus strand (G>A on the coding strand, the complement: TSC1 is on the minus strand). VCF-style: chr9-132896627-C-T. GRCh37 (hg19) VCF-style: chr9-135772014-C-T.
Other names: p.G1035S:GGT>AGT; c.3100G>A, p.Gly1034Ser (NM_001162426.2); c.2950G>A, p.Gly984Ser (NM_001162427.2); c.2740G>A, p.Gly914Ser (NM_001362177.2); short protein forms G1035S, G1034S, G914S, G984S.
Identifiers: ClinVar variation 41696 (VCV000041696.81), dbSNP rs118203742, ClinGen allele CA007165.

ClinVar aggregate classification (germline): Conflicting classifications of pathogenicity. Review status: criteria provided, conflicting classifications (1 of 4 stars). 26 submissions from 25 submitters: Uncertain significance (1); Benign (15); Likely benign (6). 4 of the submissions do not count toward it. Last evaluated 2026-09-01.

Conditions:
Hereditary cancer-predisposing syndrome. Also called: Neoplastic Syndromes, Hereditary; Hereditary neoplastic syndrome; Hereditary Cancer Syndrome; Tumor predisposition. Identifiers: Orphanet 140162, MedGen C0027672, MeSH D009386, MONDO:0015356.
Tuberous sclerosis syndrome (TSC). Also called: Tuberous sclerosis; Tuberous Sclerosis Complex. Identifiers: Orphanet 805, MedGen C0041341, MONDO:0001734.
Isolated focal cortical dysplasia type II (FCORD2). Also called: Focal cortical dysplasia type II; CORTICAL DYSPLASIA OF TAYLOR. Identifiers: Orphanet 268994, MedGen C1846385, MONDO:0011818, OMIM 607341, HP:0032051.
Tuberous sclerosis 1 (TSC1). Identifiers: Orphanet 805, MedGen C1854465, MONDO:0008612, OMIM 191100.

Allele frequency attached by ClinVar (database versions not stated): 1000 Genomes Project 0.00120; ESP Exome Variant Server 0.00123; gnomAD 0.00139; ExAC 0.00143; 1000 Genomes Project 30x 0.00156; gnomAD exomes 0.00214 and 0.00139; TOPMed 0.00156.
gnomAD v4.1: 3,336 of 1,613,806 alleles (0.21%); highest among the groups gnomAD compares: Non-Finnish European, 0.25%; 7 homozygotes.

Submissions (26):

CeGaT Center for Human Genetics Tuebingen
Classification: Likely benign. Last evaluated: 2026-09-01. Review status: criteria provided, single submitter. Criteria: CeGaT Center For Human Genetics Tuebingen Variant Classification Criteria Version 2. Collection method: clinical testing. Allele origin: germline. Affected: yes. Observed: 39 variant alleles.
Comment: TSC1: PP2, BP4, BS1

Dasa
Classification: Benign. Last evaluated: 2026-03-30. Review status: criteria provided, single submitter. Criteria: DASA Assertion Criteria. Collection method: clinical testing. Allele origin: germline.
Comment: NM_000368.5(TSC1):c.3103G>A (p.Gly1035Ser) is interpreted as benign based on a combination of available evidence, including population frequency. Based on the available data, this variant is classified as benign.

Labcorp Genetics (formerly Invitae), Labcorp
Classification: Benign for Tuberous sclerosis 1. Last evaluated: 2026-02-03. Review status: criteria provided, single submitter. Criteria: Invitae Variant Classification Sherloc (09022015). Collection method: clinical testing. Allele origin: germline.

Quest Diagnostics Nichols Institute San Juan Capistrano
Classification: Benign. Last evaluated: 2025-10-09. Review status: criteria provided, single submitter. Criteria: Quest Diagnostics criteria. Collection method: clinical testing. Allele origin: unknown.

Laboratorio de I+D, Fundación Centro Médico de Asturias
Classification: Benign for Hereditary cancer-predisposing syndrome. Last evaluated: 2025-07-14. Review status: criteria provided, single submitter. Criteria: ACMG Guidelines, 2015. Collection method: clinical testing. Allele origin: germline.
Comment: BS1+BS2+BP4_Strong+BS3_Supporting+BP1

Mayo Clinic Laboratories, Mayo Clinic
Classification: Benign. Last evaluated: 2025-07-08. Review status: criteria provided, single submitter. Criteria: ACMG Guidelines, 2015. Collection method: clinical testing. Allele origin: germline. Observed: 2 variant alleles.
Comment: BS1, BS2, BP2, BP4_moderate

ARUP Laboratories, Molecular Genetics and Genomics, ARUP Laboratories
Classification: Benign. Last evaluated: 2025-05-07. Review status: criteria provided, single submitter. Criteria: ARUP Molecular Germline Variant Investigation Process 2024. Collection method: clinical testing. Allele origin: germline.

Myriad Genetics, Inc.
Classification: Benign for Tuberous sclerosis 1. Last evaluated: 2025-04-29. Review status: criteria provided, single submitter. Criteria: Myriad Autosomal Dominant, Autosomal Recessive and X-Linked Classification Criteria (2023). Collection method: clinical testing. Allele origin: unknown.
Comment: This variant is considered benign. This variant has been observed at a population frequency that is significantly greater than expected given the associated disease prevalence and penetrance. Homozygosity has been confirmed in one or more individuals. As homozygosity for pathogenic variants in this gene is generally assumed to result in embryonic lethality, this variant is unlikely to be pathogenic.

Blueprint Genetics
Classification: Likely benign. Last evaluated: 2024-10-14. Review status: criteria provided, single submitter. Criteria: ACMG Guidelines, 2015. Collection method: clinical testing. Allele origin: germline.

Color Diagnostics, LLC DBA Color Health
Classification: Benign for Tuberous sclerosis syndrome. Last evaluated: 2022-10-09. Review status: criteria provided, single submitter. Criteria: ACMG Guidelines, 2015. Collection method: clinical testing. Allele origin: germline.

Department of Pathology and Laboratory Medicine, Sinai Health System
Classification: Benign for Tuberous sclerosis 1. Last evaluated: 2022-04-06. Review status: criteria provided, single submitter. Criteria: ACMG Guidelines, 2015. Collection method: clinical testing. Allele origin: germline. Affected: yes.

Genome-Nilou Lab
Classification: Benign for Tuberous sclerosis 1. Last evaluated: 2021-11-07. Review status: criteria provided, single submitter. Criteria: ACMG Guidelines, 2015. Collection method: clinical testing. Allele origin: germline. Affected: no.

Institute for Clinical Genetics, University Hospital TU Dresden, University Hospital TU Dresden
Classification: Uncertain significance. Last evaluated: 2021-11-03. Review status: criteria provided, single submitter. Criteria: ACMG Guidelines, 2015. Collection method: clinical testing. Allele origin: germline.

Genetic Services Laboratory, University of Chicago
Classification: Benign. Last evaluated: 2021-08-19. Review status: criteria provided, single submitter. Criteria: ACMG Guidelines, 2015. Collection method: clinical testing. Allele origin: germline. Affected: no.

Sema4
Classification: Benign for Hereditary cancer-predisposing syndrome. Last evaluated: 2020-09-24. Review status: criteria provided, single submitter. Criteria: Sema4 Curation Guidelines. Collection method: curation. Allele origin: germline.

Illumina Laboratory Services, Illumina
Classification: Likely benign for Isolated focal cortical dysplasia type II. Last evaluated: 2018-09-25. Review status: criteria provided, single submitter. Criteria: ICSL Variant Classification Criteria 13 December 2019. Collection method: clinical testing. Allele origin: germline.
Comment: This variant was observed as part of a predisposition screen in an ostensibly healthy population. A literature search was performed for the gene, cDNA change, and amino acid change (where applicable). No publications were found based on this search. Allele frequency data from public databases allowed determination this variant is unlikely to cause disease. Therefore, this variant is classified as likely benign.

Illumina Laboratory Services, Illumina
Classification: Likely benign for Tuberous sclerosis 1. Last evaluated: 2018-09-25. Review status: criteria provided, single submitter. Criteria: ICSL Variant Classification Criteria 13 December 2019. Collection method: clinical testing. Allele origin: germline.
Comment: the same text as in the submission from Illumina Laboratory Services, Illumina above.

Women's Health and Genetics/Laboratory Corporation of America, LabCorp
Classification: Benign. Last evaluated: 2016-08-31. Review status: criteria provided, single submitter. Criteria: LabCorp Variant Classification Summary - May 2015. Collection method: clinical testing. Allele origin: germline.
Comment: Variant Summary: The c.3103G>A (p.Gly1035Ser) in TSC1 gene is a missense change that involves a non-conserved nucleotide and 3/4 in silico programs predicting a "benign" outcome. The variant of interest was observed in controls with an allele frequency of 0.0014 (170/119052chrs tested) which exceeds the predicted maximum expected allele frequency for a pathogenic variant in this gene (0.0025). The variant of interest has been reported in multiple affected individuals in cis with a pathogenic variant (Nellist, 2009, TSC1 db).In the functional studies the G1035S had similar activities as wt (Nellist, 2009). In addition, multiple reputable databases/clinical laboratories and publications cite the variant with a classification of "Neutral/likely benign." Therefore, taking all available lines of evidence into consideration, the variant of interest is classified as a Benign.

Eurofins Ntd Llc (ga)
Classification: Likely benign. Last evaluated: 2015-08-04. Review status: criteria provided, single submitter. Criteria: EGL Classification Definitions 2015. Collection method: clinical testing. Allele origin: germline. Observed: 1 variant allele, 1 heterozygote.

Ambry Genetics
Classification: Benign for Hereditary cancer-predisposing syndrome. Last evaluated: 2014-12-03. Review status: criteria provided, single submitter. Criteria: Ambry Variant Classification Scheme 2023. Collection method: clinical testing. Allele origin: germline.

GeneDx
Classification: Benign. Last evaluated: 2013-10-01. Review status: criteria provided, single submitter. Criteria: GeneDx Variant Classification (06012015). Collection method: clinical testing. Allele origin: germline. Affected: yes.
Comment: This variant is considered likely benign or benign based on one or more of the following criteria: it is a conservative change, it occurs at a poorly conserved position in the protein, it is predicted to be benign by multiple in silico algorithms, and/or has population frequency not consistent with disease.

PreventionGenetics, part of Exact Sciences
Classification: Likely benign. Review status: criteria provided, single submitter. Criteria: ACMG Guidelines, 2015. Collection method: clinical testing. Allele origin: germline.

ITMI
No classification provided. Condition: AllHighlyPenetrant. Last evaluated: 2013-09-19. Review status: no classification provided. Collection method: reference population. Allele origin: germline. Not counted in ClinVar's aggregate classification.
Comment: Please see associated publication for description of ethnicities

Biesecker Lab/Clinical Genomics Section, National Institutes of Health
Classification: Likely benign. Last evaluated: 2012-07-13. Review status: no assertion criteria provided. Collection method: research. Allele origin: germline. Affected: no. Observed: 5 variant alleles. Study: ClinSeq. Not counted in ClinVar's aggregate classification.
ClinVar note: Converted during submission from probably not pathogenic to Likely benign.

Clinical Genetics DNA and cytogenetics Diagnostics Lab, Erasmus MC, Erasmus Medical Center
Classification: Benign. Review status: no assertion criteria provided. Collection method: clinical testing. Allele origin: germline. Affected: yes. Study: VKGL Data-share Consensus. Not counted in ClinVar's aggregate classification.

Tuberous sclerosis database (TSC1)
No classification provided. Condition: TSC. Review status: no classification provided. Criteria: Tuberous Sclerosis Database Assertion Criteria 2015. Collection method: curation. Allele origin: germline. Affected: yes. Not counted in ClinVar's aggregate classification.

Literature cited by the submitters: PubMed 18830229 (cited by Mayo Clinic Laboratories, Mayo Clinic and Women's Health and Genetics/Laboratory Corporation of America, LabCorp); PubMed 24728327 (cited by ITMI).